The following is an entry in ClinVar:

NM_001848.3(COL6A1):c.607A>G (p.Ile203Val)

Gene: COL6A1 (collagen type VI alpha 1 chain; plus strand). Cytogenetic location: 21q22.3.
Variant type: single nucleotide variant.
Coding change: c.607A>G on transcript NM_001848.3 (MANE Select); coding-DNA position 607, A replaced by G.
Protein change: p.Ile203Val; replaces isoleucine 203 with valine.
Molecular consequence: missense variant.
Genome position (GRCh38, 1-based): chr21:45,986,962, A>G. VCF-style: chr21-45986962-A-G. GRCh37 (hg19) VCF-style: chr21-47406876-A-G.
Other names: short protein forms I203V.
Identifiers: ClinVar variation 290544 (VCV000290544.12), dbSNP rs886044481, ClinGen allele CA10606810.
Genomic context (GRCh38, chr21:45,986,962, plus strand): 5'-GGGTCCCAGCCCTGCTCAGCCCACCCTGAACACTGCCCCCAGGAGCCGCGTCTGAGCATC[A>G]TCGCCACGGACCACACGTACCGGCGCAACTTCACGGCGGCTGACTGGGGCCAGAGCCGCG-3'
Protein context (NP_001839.2, residues 193-213): PDHLEPRLSI[Ile203Val]ATDHTYRRNF

ClinVar aggregate classification (germline): Uncertain significance. Review status: criteria provided, multiple submitters, no conflicts (2 of 4 stars). 2 submissions from 2 submitters: Uncertain significance (2). Last evaluated 2025-06-03.

Conditions:
Bethlem myopathy 1A. Also called: Bethlem Muscular Dystrophy; MYOPATHY, BENIGN CONGENITAL, WITH CONTRACTURES; Bethlem myopathy 1. Identifiers: Orphanet 610, MedGen CN029274, MONDO:0024530, OMIM 158810.

Allele frequency attached by ClinVar (database versions not stated): TOPMed 0.00001; gnomAD 0.00002; gnomAD exomes 0.00002.
gnomAD v4.1: 25 of 1,551,704 alleles (0.0016%); highest among the groups gnomAD compares: Non-Finnish European, 0.0021%; no homozygotes.

Submissions (2):

Labcorp Genetics (formerly Invitae), Labcorp
Classification: Uncertain significance for Bethlem myopathy 1A. Last evaluated: 2025-06-03. Review status: criteria provided, single submitter. Criteria: Invitae Variant Classification Sherloc (09022015). Collection method: clinical testing. Allele origin: germline.
Comment: This sequence change replaces isoleucine, which is neutral and non-polar, with valine, which is neutral and non-polar, at codon 203 of the COL6A1 protein (p.Ile203Val). The frequency data for this variant in the population databases is considered unreliable, as metrics indicate poor data quality at this position in the gnomAD database. This missense change has been observed in individual(s) with clinical features of COL6A1-related conditions (PMID: 30564623). ClinVar contains an entry for this variant (Variation ID: 290544). Invitae Evidence Modeling of protein sequence and biophysical properties (such as structural, functional, and spatial information, amino acid conservation, physicochemical variation, residue mobility, and thermodynamic stability) indicates that this missense variant is not expected to disrupt COL6A1 protein function with a negative predictive value of 95%. In summary, the available evidence is currently insufficient to determine the role of this variant in disease. Therefore, it has been classified as a Variant of Uncertain Significance.

Eurofins Ntd Llc (ga)
Classification: Uncertain significance. Last evaluated: 2016-08-31. Review status: criteria provided, single submitter. Criteria: EGL Classification Definitions 2015. Collection method: clinical testing. Allele origin: germline. Observed: 1 variant allele, 1 heterozygote.

Literature cited by the submitters: PubMed 30564623 (cited by Labcorp Genetics (formerly Invitae), Labcorp).